The following is an entry in ClinVar:

ClinVar aggregate classification (germline): Uncertain significance (1 of 4 stars; one submission).

Conditions:
Combined oxidative phosphorylation defect type 14. Also called: Combined oxidative phosphorylation deficiency 14. Identifiers: Orphanet 319519, MedGen C4755312, MONDO:0013986, OMIM 614946.

Allele frequency attached by ClinVar (database versions not stated): ExAC 0.00002; gnomAD exomes 0.00002; gnomAD 0.00004; TOPMed 0.00004; ESP Exome Variant Server 0.00008.
gnomAD v4.1: 163 of 1,597,432 alleles (0.01%); highest among the groups gnomAD compares: Non-Finnish European, 0.013%; no homozygotes.

Submission:

Labcorp Genetics (formerly Invitae), Labcorp
Classification: Uncertain significance for Combined oxidative phosphorylation defect type 14. Last evaluated: 2026-02-02. Review status: criteria provided, single submitter. Criteria: Invitae Variant Classification Sherloc (09022015). Collection method: clinical testing. Allele origin: germline.
Comment: This sequence change replaces alanine, which is neutral and non-polar, with threonine, which is neutral and polar, at codon 252 of the FARS2 protein (p.Ala252Thr). This variant is present in population databases (rs371390356, gnomAD 0.004%). This variant has not been reported in the literature in individuals affected with FARS2-related conditions. ClinVar contains an entry for this variant (Variation ID: 473316). Invitae Evidence Modeling of protein sequence and biophysical properties (such as structural, functional, and spatial information, amino acid conservation, physicochemical variation, residue mobility, and thermodynamic stability) indicates that this missense variant is not expected to disrupt FARS2 protein function with a negative predictive value of 95%. In summary, the available evidence is currently insufficient to determine the role of this variant in disease. Therefore, it has been classified as a Variant of Uncertain Significance.

NM_006567.5(FARS2):c.754G>A (p.Ala252Thr)

Gene: FARS2 (phenylalanyl-tRNA synthetase 2, mitochondrial; plus strand). Cytogenetic location: 6p25.1.
Variant type: single nucleotide variant.
Coding change: c.754G>A on transcript NM_006567.5 (MANE Select); coding-DNA position 754, G replaced by A.
Protein change: p.Ala252Thr; replaces alanine 252 with threonine.
Molecular consequence: missense variant.
Genome position (GRCh38, 1-based): chr6:5,404,683, G>A. VCF-style: chr6-5404683-G-A. GRCh37 (hg19) VCF-style: chr6-5404916-G-A.
Other names: c.754G>A, p.Ala252Thr (NM_001318872.2, NM_001374875.1, NM_001374876.1 and 5 more transcripts); c.58G>A, p.Ala20Thr (NM_001375259.1, NM_001375260.1); short protein forms A252T, A20T.
Identifiers: ClinVar variation 473316 (VCV000473316.6), dbSNP rs371390356, ClinGen allele CA3623725.